The following is an entry in ClinVar:

ClinVar aggregate classification (germline): Likely benign (1 of 4 stars; one submission).

Conditions:
POMC-related disorder. Also called: POMC-related condition; POMC-related disorders.

gnomAD v4.1: 2 of 1,606,116 alleles (0.00012%); highest among the groups gnomAD compares: African/African-American, 0.0027%; no homozygotes.

Submission:

PreventionGenetics, part of Exact Sciences
Classification: Likely benign for POMC-related condition. Last evaluated: 2026-09-24. Review status: criteria provided, single submitter. Criteria: ACMG Guidelines, 2015. Collection method: clinical testing. Allele origin: germline.
Comment: This variant is classified as likely benign based on ACMG/AMP sequence variant interpretation guidelines (Richards et al. 2015 PMID: 25741868, with internal and published modifications).

NM_000939.4(POMC):c.540G>T (p.Leu180=)

Gene: POMC (proopiomelanocortin; minus strand). Cytogenetic location: 2p23.3.
Variant type: single nucleotide variant.
Coding change: c.540G>T on transcript NM_000939.4 (MANE Select); coding-DNA position 540, G replaced by T.
Protein change: p.Leu180=; no amino-acid change (leucine 180 retained).
Molecular consequence: synonymous variant.
Genome position (GRCh38, 1-based): chr2:25,161,345, C>A on the plus strand (G>T on the coding strand, the complement: POMC is on the minus strand). VCF-style: chr2-25161345-C-A. GRCh37 (hg19) VCF-style: chr2-25384214-C-A.
Other names: c.540G>T, p.Leu180= (NM_001035256.3, NM_001319204.2, NM_001319205.2).
Identifiers: ClinVar variation 4979758 (VCV004979758.1).